The following is an entry in ClinVar:

NM_001318895.3(FHL2):c.219C>G (p.Asn73Lys)

Genes: C2orf49 (chromosome 2 open reading frame 49; plus strand), FHL2 (four and a half LIM domains 2; minus strand). Cytogenetic location: 2q12.2.
Variant type: single nucleotide variant.
Coding change: c.219C>G on transcript NM_001318895.3 (MANE Select); coding-DNA position 219, C replaced by G.
Protein change: p.Asn73Lys; replaces asparagine 73 with lysine.
Molecular consequence: missense variant. On other transcripts: 5 prime UTR variant (1), intron variant (2).
Genome position (GRCh38, 1-based): chr2:105,373,671, G>C on the plus strand (C>G on the coding strand, the complement: FHL2 is on the minus strand). VCF-style: chr2-105373671-G-C. GRCh37 (hg19) VCF-style: chr2-105990128-G-C.
Other names: c.219C>G, p.Asn73Lys (NM_001039492.3, NM_001318894.1, NM_001318896.2 and 4 more transcripts); c.-106C>G (NM_001318899.2); c.-11-5932C>G (NM_001318897.2, NM_001318898.2); short protein forms N73K.
Identifiers: ClinVar variation 1511981 (VCV001511981.8), dbSNP rs1681256120, ClinGen allele CA348002155.

ClinVar aggregate classification (germline): Uncertain significance (1 of 4 stars; one submission).

Conditions:
Primary dilated cardiomyopathy (DCM). Also called: Dilated Cardiomyopathy. Identifiers: Orphanet 217604, MedGen C0007193, MeSH D002311, MONDO:0005021, HP:0001644. Inheritance: Various modes of inheritance.

Allele frequency attached by ClinVar (database versions not stated): TOPMed below 0.00001.

Submission:

Labcorp Genetics (formerly Invitae), Labcorp
Classification: Uncertain significance for Primary dilated cardiomyopathy. Last evaluated: 2020-12-25. Review status: criteria provided, single submitter. Criteria: Invitae Variant Classification Sherloc (09022015). Collection method: clinical testing. Allele origin: germline.
Comment: This sequence change replaces asparagine with lysine at codon 73 of the FHL2 protein (p.Asn73Lys). The asparagine residue is weakly conserved and there is a moderate physicochemical difference between asparagine and lysine. In summary, the available evidence is currently insufficient to determine the role of this variant in disease. Therefore, it has been classified as a Variant of Uncertain Significance. Algorithms developed to predict the effect of missense changes on protein structure and function (SIFT, PolyPhen-2, Align-GVGD) all suggest that this variant is likely to be tolerated, but these predictions have not been confirmed by published functional studies and their clinical significance is uncertain. This variant has not been reported in the literature in individuals with FHL2-related conditions. This variant is not present in population databases (ExAC no frequency).